The following is an entry in ClinVar:

NM_001252024.2(TRPM1):c.1027A>G (p.Asn343Asp)

Gene: TRPM1 (transient receptor potential cation channel subfamily M member 1; minus strand). Cytogenetic location: 15q13.3.
Variant type: single nucleotide variant.
Coding change: c.1027A>G on transcript NM_001252024.2 (MANE Select); coding-DNA position 1027, A replaced by G.
Protein change: p.Asn343Asp; replaces asparagine 343 with aspartic acid.
Molecular consequence: missense variant.
Genome position (GRCh38, 1-based): chr15:31,062,641, T>C on the plus strand (A>G on the coding strand, the complement: TRPM1 is on the minus strand). VCF-style: chr15-31062641-T-C. GRCh37 (hg19) VCF-style: chr15-31354844-T-C.
Other names: c.1078A>G, p.Asn360Asp (NM_001252020.2); c.961A>G, p.Asn321Asp (NM_002420.6); short protein forms N343D, N360D, N321D.
Identifiers: ClinVar variation 1468858 (VCV001468858.6), dbSNP rs769075827, ClinGen allele CA7452719.
Genomic context (GRCh38, chr15:31,062,641, plus strand): 5'-GTTCTTTCTTCTTCATGCACTCCATTATAATTGCAAACAGCTGATGTGATTGTGCCTTAT[T>C]ATAATTAAATGTTTTCTGAATGGTAACTAGAAGCTGCTCCCTGAGGGACTCATTTATTAT-3'
Protein context (NP_001238953.1, residues 333-353): LVTIQKTFNY[Asn343Asp]KAQSHQLFAI

ClinVar aggregate classification (germline): Uncertain significance (1 of 4 stars; one submission).

Allele frequency attached by ClinVar (database versions not stated): TOPMed below 0.00001; ExAC 0.00001; gnomAD exomes 0.00001.
gnomAD v4.1: 4 of 1,614,136 alleles (0.00025%); highest among the groups gnomAD compares: Admixed American, 0.005%; no homozygotes.

Submission:

Labcorp Genetics (formerly Invitae), Labcorp
Classification: Uncertain significance. Last evaluated: 2026-01-05. Review status: criteria provided, single submitter. Criteria: Invitae Variant Classification Sherloc (09022015). Collection method: clinical testing. Allele origin: germline.
Comment: This sequence change replaces asparagine, which is neutral and polar, with aspartic acid, which is acidic and polar, at codon 321 of the TRPM1 protein (p.Asn321Asp). This variant is present in population databases (rs769075827, gnomAD 0.009%). This variant has not been reported in the literature in individuals affected with TRPM1-related conditions. ClinVar contains an entry for this variant (Variation ID: 1468858). Invitae Evidence Modeling of protein sequence and biophysical properties (such as structural, functional, and spatial information, amino acid conservation, physicochemical variation, residue mobility, and thermodynamic stability) indicates that this missense variant is not expected to disrupt TRPM1 protein function with a negative predictive value of 95%. In summary, the available evidence is currently insufficient to determine the role of this variant in disease. Therefore, it has been classified as a Variant of Uncertain Significance.